The following is an entry in ClinVar:

ClinVar aggregate classification (germline): Uncertain significance (1 of 4 stars; one submission).

Submission:

Labcorp Genetics (formerly Invitae), Labcorp
Classification: Uncertain significance. Last evaluated: 2020-01-08. Review status: criteria provided, single submitter. Criteria: Invitae Variant Classification Sherloc (09022015). Collection method: clinical testing. Allele origin: germline.
Comment: In summary, the available evidence is currently insufficient to determine the role of this variant in disease. Therefore, it has been classified as a Variant of Uncertain Significance. Algorithms developed to predict the effect of missense changes on protein structure and function are either unavailable or do not agree on the potential impact of this missense change (SIFT: "Tolerated"; PolyPhen-2: "Possibly Damaging"; Align-GVGD: "Class C0"). This variant has not been reported in the literature in individuals with HOXB13-related conditions. This variant is not present in population databases (ExAC no frequency). This sequence change replaces alanine with glycine at codon 252 of the HOXB13 protein (p.Ala252Gly). The alanine residue is moderately conserved and there is a small physicochemical difference between alanine and glycine.

NM_006361.6(HOXB13):c.755C>G (p.Ala252Gly)

Gene: HOXB13 (homeobox B13; minus strand). Cytogenetic location: 17q21.32.
Variant type: single nucleotide variant.
Coding change: c.755C>G on transcript NM_006361.6 (MANE Select); coding-DNA position 755, C replaced by G.
Protein change: p.Ala252Gly; replaces alanine 252 with glycine.
Molecular consequence: missense variant.
Genome position (GRCh38, 1-based): chr17:48,726,890, G>C on the plus strand (C>G on the coding strand, the complement: HOXB13 is on the minus strand). VCF-style: chr17-48726890-G-C. GRCh37 (hg19) VCF-style: chr17-46804252-G-C.
Other names: short protein forms A252G.
Identifiers: ClinVar variation 1044242 (VCV001044242.9), dbSNP rs2038216637, ClinGen allele CA400106015.